The following is an entry in ClinVar:

ClinVar aggregate classification (germline): Likely benign. Review status: criteria provided, multiple submitters, no conflicts (2 of 4 stars). 2 submissions from 2 submitters: Likely benign (2). Last evaluated 2025-02-01.

Conditions:
Epileptic encephalopathy. Identifiers: MedGen C0543888, HP:0200134.

Allele frequency attached by ClinVar (database versions not stated): TOPMed 0.00006; gnomAD exomes 0.00007 and 0.00015; gnomAD 0.00009; ExAC 0.00012; ESP Exome Variant Server 0.00017; 1000 Genomes Project 30x 0.00031; 1000 Genomes Project 0.00040.
gnomAD v4.1: 230 of 1,606,020 alleles (0.014%); highest among the groups gnomAD compares: Non-Finnish European, 0.018%; no homozygotes.

Submissions (2):

CeGaT Center for Human Genetics Tuebingen
Classification: Likely benign. Last evaluated: 2025-02-01. Review status: criteria provided, single submitter. Criteria: CeGaT Center For Human Genetics Tuebingen Variant Classification Criteria Version 2. Collection method: clinical testing. Allele origin: germline. Affected: yes. Observed: 1 variant allele.
Comment: RYR3: BP4, BP7

Labcorp Genetics (formerly Invitae), Labcorp
Classification: Likely benign for Epileptic encephalopathy. Last evaluated: 2020-10-20. Review status: criteria provided, single submitter. Criteria: Invitae Variant Classification Sherloc (09022015). Collection method: clinical testing. Allele origin: germline.

NM_001036.6(RYR3):c.10767A>G (p.Gln3589=)

Gene: RYR3 (ryanodine receptor 3; plus strand). Cytogenetic location: 15q14.
Variant type: single nucleotide variant.
Coding change: c.10767A>G on transcript NM_001036.6 (MANE Select); coding-DNA position 10767, A replaced by G.
Protein change: p.Gln3589=; no amino-acid change (glutamine 3589 retained).
Molecular consequence: synonymous variant.
Genome position (GRCh38, 1-based): chr15:33,820,764, A>G. VCF-style: chr15-33820764-A-G. GRCh37 (hg19) VCF-style: chr15-34112965-A-G.
Other names: c.10752A>G, p.Gln3584= (NM_001243996.4).
Identifiers: ClinVar variation 1129446 (VCV001129446.22), dbSNP rs180899760, ClinGen allele CA7460978.